The following is an entry in ClinVar:

ClinVar aggregate classification (germline): Uncertain significance (1 of 4 stars; one submission).

Allele frequency attached by ClinVar (database versions not stated): gnomAD exomes below 0.00001; gnomAD 0.00001.
gnomAD v4.1: 2 of 1,614,124 alleles (0.00012%); highest among the groups gnomAD compares: African/African-American, 0.0027%; no homozygotes.

Submission:

Ambry Genetics
Classification: Uncertain significance. Last evaluated: 2021-11-22. Review status: criteria provided, single submitter. Criteria: Ambry Variant Classification Scheme 2023. Collection method: clinical testing. Allele origin: germline.
Comment: The p.S259C variant (also known as c.776C>G), located in coding exon 3 of the ALPK2 gene, results from a C to G substitution at nucleotide position 776. The serine at codon 259 is replaced by cysteine, an amino acid with dissimilar properties. This amino acid position is conserved. In addition, this alteration is predicted to be tolerated by in silico analysis. Since supporting evidence is limited at this time, the clinical significance of this alteration remains unclear.

NM_052947.4(ALPK2):c.776C>G (p.Ser259Cys)

Genes: ALPK2 (alpha kinase 2; minus strand), LOC114803473 (ALPK2 eExon liver enhancer; plus strand). Cytogenetic location: 18q21.31.
Variant type: single nucleotide variant.
Coding change: c.776C>G on transcript NM_052947.4 (MANE Select); coding-DNA position 776, C replaced by G.
Protein change: p.Ser259Cys; replaces serine 259 with cysteine.
Molecular consequence: missense variant.
Genome position (GRCh38, 1-based): chr18:58,580,000, G>C on the plus strand (C>G on the coding strand, the complement: ALPK2 is on the minus strand). VCF-style: chr18-58580000-G-C. GRCh37 (hg19) VCF-style: chr18-56247232-G-C.
Other names: short protein forms S259C.
Identifiers: ClinVar variation 1760533 (VCV001760533.2), dbSNP rs1265025692, ClinGen allele CA402567236.